The following is an entry in ClinVar:

NM_003430.4(ZNF91):c.2427T>A (p.Arg809=)

Gene: ZNF91 (zinc finger protein 91; minus strand). Cytogenetic location: 19p12.
Variant type: single nucleotide variant.
Coding change: c.2427T>A on transcript NM_003430.4 (MANE Select); coding-DNA position 2427, T replaced by A.
Protein change: p.Arg809=; no amino-acid change (arginine 809 retained).
Molecular consequence: synonymous variant.
Genome position (GRCh38, 1-based): chr19:23,360,552, A>T on the plus strand (T>A on the coding strand, the complement: ZNF91 is on the minus strand). VCF-style: chr19-23360552-A-T. GRCh37 (hg19) VCF-style: chr19-23543354-A-T.
Other names: c.2331T>A, p.Arg777= (NM_001300951.2).
Identifiers: ClinVar variation 2649661 (VCV002649661.24), dbSNP rs754217401, ClinGen allele CA9347888.

ClinVar aggregate classification (germline): Likely benign (1 of 4 stars; one submission).

Allele frequency attached by ClinVar (database versions not stated): ExAC 0.00001; gnomAD 0.00008.

Submission:

CeGaT Center for Human Genetics Tuebingen
Classification: Likely benign. Last evaluated: 2022-10-01. Review status: criteria provided, single submitter. Criteria: CeGaT Center For Human Genetics Tuebingen Variant Classification Criteria Version 2. Collection method: clinical testing. Allele origin: germline. Affected: yes. Observed: 1 variant allele.
Comment: ZNF91: BP4, BP7